The following is an entry in ClinVar:

NM_198578.4(LRRK2):c.3137A>C (p.Lys1046Thr)

Gene: LRRK2 (leucine rich repeat kinase 2; plus strand). Cytogenetic location: 12q12.
Variant type: single nucleotide variant.
Coding change: c.3137A>C on transcript NM_198578.4 (MANE Select); coding-DNA position 3137, A replaced by C.
Protein change: p.Lys1046Thr; replaces lysine 1046 with threonine.
Molecular consequence: missense variant.
Genome position (GRCh38, 1-based): chr12:40,298,283, A>C. VCF-style: chr12-40298283-A-C. GRCh37 (hg19) VCF-style: chr12-40692085-A-C.
Other names: short protein forms K1046T.
Identifiers: ClinVar variation 1728020 (VCV001728020.2), dbSNP rs1944459694, ClinGen allele CA384414161.
Genomic context (GRCh38, chr12:40,298,283, plus strand): 5'-TTAAACTATTGTCTTTTCAGACTCTGAAGAGTTTGACACATTTGGACTTGCACAGTAATA[A>C]ATTTACATCATTTCCTTCTTATTTGTTGAAAATGAGTTGTATTGCTAATCTTGATGTCTC-3'
Protein context (NP_940980.4, residues 1036-1056): SLTHLDLHSN[Lys1046Thr]FTSFPSYLLK

ClinVar aggregate classification (germline): Uncertain significance (1 of 4 stars; one submission).

Conditions:
Inborn genetic diseases. Identifiers: MedGen C0950123, MeSH D030342.

Allele frequency attached by ClinVar (database versions not stated): gnomAD 0.00001.
gnomAD v4.1: 1 of 1,613,644 alleles (0.000062%); highest among the groups gnomAD compares: South Asian, 0.0011%; no homozygotes.

Submission:

Ambry Genetics
Classification: Uncertain significance for Inborn genetic diseases. Last evaluated: 2022-03-24. Review status: criteria provided, single submitter. Criteria: Ambry Variant Classification Scheme 2023. Collection method: clinical testing. Allele origin: germline.
Comment: The p.K1046T variant (also known as c.3137A>C), located in coding exon 24 of the LRRK2 gene, results from an A to C substitution at nucleotide position 3137. The lysine at codon 1046 is replaced by threonine, an amino acid with similar properties. This amino acid position is conserved. In addition, this alteration is predicted to be tolerated by in silico analysis. Since supporting evidence is limited at this time, the clinical significance of this alteration remains unclear.